The following is an entry in ClinVar:

NM_000268.4(NF2):c.517-2A>G

Gene: NF2 (NF2, moesin-ezrin-radixin like (MERLIN) tumor suppressor; plus strand). Cytogenetic location: 22q12.2.
Variant type: single nucleotide variant.
Coding change: c.517-2A>G on transcript NM_000268.4 (MANE Select); the canonical splice acceptor site of the intron before coding-DNA position 517, A replaced by G.
Molecular consequence: splice acceptor variant. On other transcripts: intron variant (1).
Genome position (GRCh38, 1-based): chr22:29,655,592, A>G. VCF-style: chr22-29655592-A-G. GRCh37 (hg19) VCF-style: chr22-30051581-A-G.
Other names: c.517-2A>G (NM_016418.5, NM_181832.3, NM_001407060.1 and 4 more transcripts); c.403-2A>G (NM_001407056.1, NM_001407053.1); c.286-2A>G (NM_001407067.1); c.-18-2A>G (NM_001407065.1); c.447+13307A>G (NM_181833.3); c.394-2A>G (NM_001407058.1, NM_181829.3, NM_001407054.1 and 1 more transcripts); c.391-2A>G (NM_181828.3, NM_001407055.1); c.268-2A>G (NM_001407063.1, NM_181830.3, NM_001407064.1 and 1 more transcripts).
Identifiers: ClinVar variation 412207 (VCV000412207.9), dbSNP rs1060503670, ClinGen allele CA16616358.

ClinVar aggregate classification (germline): Pathogenic (1 of 4 stars; one submission).

Conditions:
Neurofibromatosis, type 2 (SWNV). Also called: SCHWANNOMATOSIS, VESTIBULAR; NF2-Related Schwannomatosis; BILATERAL ACOUSTIC NEUROFIBROMATOSIS. Identifiers: Orphanet 637, MedGen C0027832, MONDO:0007039, OMIM 101000. Disease mechanism: loss of function.

Submission:

Labcorp Genetics (formerly Invitae), Labcorp
Classification: Pathogenic for Neurofibromatosis, type 2. Last evaluated: 2022-06-29. Review status: criteria provided, single submitter. Criteria: Invitae Variant Classification Sherloc (09022015). Collection method: clinical testing. Allele origin: germline.
Comment: This sequence change affects an acceptor splice site in intron 5 of the NF2 gene. It is expected to disrupt RNA splicing. Variants that disrupt the donor or acceptor splice site typically lead to a loss of protein function (PMID: 16199547), and loss-of-function variants in NF2 are known to be pathogenic (PMID: 9643284, 16983642). This variant is not present in population databases (gnomAD no frequency). Disruption of this splice site has been observed in individuals with clinical features of neurofibromatosis, type 2 (PMID: 16983642). ClinVar contains an entry for this variant (Variation ID: 412207). Algorithms developed to predict the effect of sequence changes on RNA splicing suggest that this variant may disrupt the consensus splice site. For these reasons, this variant has been classified as Pathogenic.

Literature cited by the submitters: PubMed 16199547; PubMed 9643284; PubMed 16983642.